The following is an entry in ClinVar:

NM_152703.5(SAMD9L):c.3563G>A (p.Arg1188Gln)

Gene: SAMD9L (sterile alpha motif domain containing 9 like; minus strand). Cytogenetic location: 7q21.2.
Variant type: single nucleotide variant.
Coding change: c.3563G>A on transcript NM_152703.5 (MANE Select); coding-DNA position 3563, G replaced by A.
Protein change: p.Arg1188Gln; replaces arginine 1188 with glutamine.
Molecular consequence: missense variant.
Genome position (GRCh38, 1-based): chr7:93,132,409, C>T on the plus strand (G>A on the coding strand, the complement: SAMD9L is on the minus strand). VCF-style: chr7-93132409-C-T. GRCh37 (hg19) VCF-style: chr7-92761722-C-T.
Other names: c.3563G>A, p.Arg1188Gln (NM_001303496.3, NM_001303497.3, NM_001303498.3 and 5 more transcripts); short protein forms R1188Q.
Identifiers: ClinVar variation 1710939 (VCV001710939.3), dbSNP rs535880866, ClinGen allele CA4343435.
Genomic context (GRCh38, chr7:93,132,409, plus strand): 5'-ATAGTGTAAAGACCAACTTCTATTTCACCCAAGAAACAAGCTGTGTTATACATGTCATAT[C>T]GTCTCTGGGACTTCTGTGGTGACCAGTTCTCGGTTTCATAGTTTTTACTATCAGTTTGCC-3'
Protein context (NP_689916.2, residues 1178-1198): ENWSPQKSQR[Arg1188Gln]YDMYNTACFL

ClinVar aggregate classification (germline): Uncertain significance. Review status: criteria provided, multiple submitters, no conflicts (2 of 4 stars). 3 submissions from 3 submitters: Uncertain significance (3). Last evaluated 2025-05-15.

Conditions:
Ataxia-pancytopenia syndrome (ATXPC). Also called: SAMD9L-Related Syndrome; SAMD9L Ataxia-Pancytopenia Syndrome. Identifiers: Orphanet 2585, MedGen C1327919, MONDO:0008038, OMIM 159550.

Allele frequency attached by ClinVar (database versions not stated): gnomAD 0.00003.
gnomAD v4.1: 24 of 1,613,600 alleles (0.0015%); highest among the groups gnomAD compares: African/African-American, 0.004%; no homozygotes.

Submissions (3):

Labcorp Genetics (formerly Invitae), Labcorp
Classification: Uncertain significance. Last evaluated: 2025-05-15. Review status: criteria provided, single submitter. Criteria: Invitae Variant Classification Sherloc (09022015). Collection method: clinical testing. Allele origin: germline.
Comment: This sequence change replaces arginine, which is basic and polar, with glutamine, which is neutral and polar, at codon 1188 of the SAMD9L protein (p.Arg1188Gln). This variant is present in population databases (rs535880866, gnomAD 0.005%). This variant has not been reported in the literature in individuals affected with SAMD9L-related conditions. ClinVar contains an entry for this variant (Variation ID: 1710939). An algorithm developed to predict the effect of missense changes on protein structure and function (PolyPhen-2) suggests that this variant is likely to be disruptive. In summary, the available evidence is currently insufficient to determine the role of this variant in disease. Therefore, it has been classified as a Variant of Uncertain Significance.

GeneDx
Classification: Uncertain significance. Last evaluated: 2023-05-03. Review status: criteria provided, single submitter. Criteria: GeneDx Variant Classification Process June 2021. Collection method: clinical testing. Allele origin: germline. Affected: yes.
Comment: Not observed at significant frequency in large population cohorts (gnomAD); In silico analysis supports that this missense variant does not alter protein structure/function; Has not been previously published as pathogenic or benign to our knowledge

St. Jude Molecular Pathology, St. Jude Children's Research Hospital
Classification: Uncertain significance for Ataxia-pancytopenia syndrome. Last evaluated: 2022-09-09. Review status: criteria provided, single submitter. Criteria: St. Jude Assertion Criteria 2020. Collection method: clinical testing. Allele origin: germline.
Comment: The SAMD9L c.3563G>A (p.Arg1188Gln) missense change has a maximum subpopulation frequency of 0.0040% in gnomAD v2.1.1. The in silico tool REVEL predicts a benign effect on protein function, but to our knowledge this prediction has not been confirmed by functional studies. However, in silico predictions have not been found to correlate with syndromic risk and are thus not considered supporting evidence of a pathogenic or benign effect (PMID: 34621053). To our knowledge, this variant has not been reported in individuals with ataxia-pancytopenia syndrome. In summary, the evidence currently available is insufficient to determine the clinical significance of this variant. It has therefore been classified as of uncertain significance.